The following is an entry in ClinVar:

NM_002087.4(GRN):c.1725_1726delinsAA (p.Glu576Lys)

Gene: GRN (granulin precursor; plus strand). Cytogenetic location: 17q21.31.
Variant type: Indel.
Coding change: c.1725_1726delinsAA on transcript NM_002087.4 (MANE Select); coding-DNA positions 1725 to 1726, GG replaced by AA.
Protein change: p.Glu576Lys; replaces glutamic acid 576 with lysine.
Molecular consequence: missense variant.
Genome position (GRCh38, 1-based): chr17:44,352,741-44,352,742, GG replaced by AA. VCF-style: chr17-44352741-GG-AA. GRCh37 (hg19) VCF-style: chr17-42430109-GG-AA.
Other names: short protein forms E576K.
Identifiers: ClinVar variation 2164316 (VCV002164316.4), dbSNP rs2510058675, ClinGen allele CA2580094102.

ClinVar aggregate classification (germline): Uncertain significance (1 of 4 stars; one submission).

Conditions:
Neuronal ceroid lipofuscinosis 11. Also called: GRN-Related Neuronal Ceroid-Lipofuscinosis. Identifiers: Orphanet 314629, Orphanet 79262, MedGen C3539123, MONDO:0013866, OMIM 614706.
GRN-related frontotemporal lobar degeneration with Tdp43 inclusions (FTD2). Also called: DEMENTIA, HEREDITARY DYSPHASIC DISINHIBITION; FRONTOTEMPORAL LOBAR DEGENERATION WITH UBIQUITIN-POSITIVE INCLUSIONS; FTLD-TDP, GRN-RELATED; GRN Frontotemporal Dementia; FRONTOTEMPORAL DEMENTIA WITH TDP43 INCLUSIONS, GRN-RELATED. Identifiers: Orphanet 100070, Orphanet 282, MedGen C1843792, MONDO:0011842, OMIM 607485. Disease mechanism: loss of function.

Submission:

Labcorp Genetics (formerly Invitae), Labcorp
Classification: Uncertain significance for Neuronal ceroid lipofuscinosis 11; GRN-related frontotemporal lobar degeneration with Tdp43 inclusions. Last evaluated: 2022-07-12. Review status: criteria provided, single submitter. Criteria: Invitae Variant Classification Sherloc (09022015). Collection method: clinical testing. Allele origin: germline.
Comment: In summary, the available evidence is currently insufficient to determine the role of this variant in disease. Therefore, it has been classified as a Variant of Uncertain Significance. Experimental studies and prediction algorithms are not available or were not evaluated, and the functional significance of this variant is currently unknown. This variant has not been reported in the literature in individuals affected with GRN-related conditions. Information on the frequency of this variant in the gnomAD database is not available, as this variant may be reported differently in the database. This sequence change replaces glutamic acid, which is acidic and polar, with lysine, which is basic and polar, at codon 576 of the GRN protein (p.Glu576Lys).